The following is an entry in ClinVar:

NM_024675.4(PALB2):c.1368G>T (p.Glu456Asp)

Gene: PALB2 (partner and localizer of BRCA2; minus strand). Cytogenetic location: 16p12.2.
Variant type: single nucleotide variant.
Coding change: c.1368G>T on transcript NM_024675.4 (MANE Select); coding-DNA position 1368, G replaced by T.
Protein change: p.Glu456Asp; replaces glutamic acid 456 with aspartic acid.
Molecular consequence: missense variant.
Genome position (GRCh38, 1-based): chr16:23,635,178, C>A on the plus strand (G>T on the coding strand, the complement: PALB2 is on the minus strand). VCF-style: chr16-23635178-C-A. GRCh37 (hg19) VCF-style: chr16-23646499-C-A.
Other names: short protein forms E456D.
Identifiers: ClinVar variation 627995 (VCV000627995.17), dbSNP rs1555461319, ClinGen allele CA395131452.
Genomic context (GRCh38, chr16:23,635,178, plus strand): 5'-TCTTGAACTTGGTTGTCCTGTGCATGTGCCAGACATCCTAATTTCACTTTGGTCAGTTTC[C>A]TCATTGGAAAGGTTTAAATTTTTACTTGCATCCTTATTTTTATTTTTAAACCCTTTTTTC-3'
Protein context (NP_078951.2, residues 446-466): DASKNLNLSN[Glu456Asp]ETDQSEIRMS

ClinVar aggregate classification (germline): Uncertain significance. Review status: criteria provided, multiple submitters, no conflicts (2 of 4 stars). 3 submissions from 3 submitters: Uncertain significance (3). Last evaluated 2025-08-03.

Conditions:
Familial cancer of breast. Also called: BREAST CANCER, FAMILIAL; Hereditary breast cancer; hereditary breast carcinoma. Identifiers: Orphanet 227535, MedGen C0346153, MONDO:0016419, OMIM 114480. Disease mechanism: loss of function.
Hereditary cancer-predisposing syndrome. Also called: Neoplastic Syndromes, Hereditary; Tumor predisposition; Hereditary neoplastic syndrome; Hereditary Cancer Syndrome. Identifiers: Orphanet 140162, MedGen C0027672, MeSH D009386, MONDO:0015356.

Allele frequency attached by ClinVar (database versions not stated): TOPMed below 0.00001.

Submissions (3):

Labcorp Genetics (formerly Invitae), Labcorp
Classification: Uncertain significance for Familial cancer of breast. Last evaluated: 2025-08-03. Review status: criteria provided, single submitter. Criteria: Invitae Variant Classification Sherloc (09022015). Collection method: clinical testing. Allele origin: germline.
Comment: This sequence change replaces glutamic acid, which is acidic and polar, with aspartic acid, which is acidic and polar, at codon 456 of the PALB2 protein (p.Glu456Asp). This variant is not present in population databases (gnomAD no frequency). This missense change has been observed in individual(s) with breast cancer (PMID: 28779002). ClinVar contains an entry for this variant (Variation ID: 627995). Invitae Evidence Modeling of protein sequence and biophysical properties (such as structural, functional, and spatial information, amino acid conservation, physicochemical variation, residue mobility, and thermodynamic stability) has been performed for this missense variant. However, the output from this modeling did not meet the statistical confidence thresholds required to predict the impact of this variant on PALB2 protein function. In summary, the available evidence is currently insufficient to determine the role of this variant in disease. Therefore, it has been classified as a Variant of Uncertain Significance.

Ambry Genetics
Classification: Uncertain significance for Hereditary cancer-predisposing syndrome. Last evaluated: 2025-06-21. Review status: criteria provided, single submitter. Criteria: Ambry Variant Classification Scheme 2023. Collection method: clinical testing. Allele origin: germline.
Comment: The p.E456D variant (also known as c.1368G>T), located in coding exon 4 of the PALB2 gene, results from a G to T substitution at nucleotide position 1368. The glutamic acid at codon 456 is replaced by aspartic acid, an amino acid with highly similar properties. This amino acid position is not well conserved in available vertebrate species. In addition, this alteration is predicted to be tolerated by in silico analysis. Since supporting evidence is limited at this time, the clinical significance of this alteration remains unclear.

Color Diagnostics, LLC DBA Color Health
Classification: Uncertain significance for Hereditary cancer-predisposing syndrome. Last evaluated: 2018-09-21. Review status: criteria provided, single submitter. Criteria: ACMG Guidelines, 2015. Collection method: clinical testing. Allele origin: germline.

Literature cited by the submitters: PubMed 28779002 (cited by Labcorp Genetics (formerly Invitae), Labcorp).